The following is an entry in ClinVar:

NM_001148.6(ANK2):c.8601C>T (p.Ala2867=)

Gene: ANK2 (ankyrin 2; plus strand). Cytogenetic location: 4q26.
Variant type: single nucleotide variant.
Coding change: c.8601C>T on transcript NM_001148.6 (MANE Select); coding-DNA position 8601, C replaced by T.
Protein change: p.Ala2867=; no amino-acid change (alanine 2867 retained).
Molecular consequence: synonymous variant. On other transcripts: intron variant (68).
Genome position (GRCh38, 1-based): chr4:113,357,219, C>T. VCF-style: chr4-113357219-C-T. GRCh37 (hg19) VCF-style: chr4-114278375-C-T.
Other names: c.8367C>T, p.Ala2789= (NM_001386142.1); c.5001C>T, p.Ala1667= (NM_001386166.1); c.8742C>T, p.Ala2914= (NM_001386174.1); c.8718C>T, p.Ala2906= (NM_001386175.1); c.4412-3604C>T (NM_001386186.2, NM_001386148.2); c.4214-3604C>T (NM_001354269.3); c.4292-3604C>T (NM_001386187.2); c.4253-3604C>T (NM_001386147.1); and 35 more.
Identifiers: ClinVar variation 508873 (VCV000508873.7), dbSNP rs1239213547, ClinGen allele CA440879225.

ClinVar aggregate classification (germline): Likely benign. Review status: criteria provided, multiple submitters, no conflicts (2 of 4 stars). 3 submissions from 3 submitters: Likely benign (2). 1 of the submissions does not count toward it. Last evaluated 2023-08-11.

Conditions:
ANK2-related disorder. Also called: ANK2-related condition.
Cardiovascular phenotype. Identifiers: MedGen CN230736.

Allele frequency attached by ClinVar (database versions not stated): gnomAD exomes below 0.00001 and 0.00001.
gnomAD v4.1: 5 of 1,614,000 alleles (0.00031%); highest among the groups gnomAD compares: Non-Finnish European, 0.00042%; no homozygotes.

Submissions (3):

Ambry Genetics
Classification: Likely benign for Cardiovascular phenotype. Last evaluated: 2023-08-11. Review status: criteria provided, single submitter. Criteria: Ambry Variant Classification Scheme 2023. Collection method: clinical testing. Allele origin: germline.

GeneDx
Classification: Likely benign. Last evaluated: 2020-10-14. Review status: criteria provided, single submitter. Criteria: GeneDx Variant Classification Process June 2021. Collection method: clinical testing. Allele origin: germline. Affected: yes.

PreventionGenetics, part of Exact Sciences
Classification: Likely benign for ANK2-related condition. Last evaluated: 2023-02-01. Review status: no assertion criteria provided. Collection method: clinical testing. Allele origin: germline. Not counted in ClinVar's aggregate classification.
Comment: This variant is classified as likely benign based on ACMG/AMP sequence variant interpretation guidelines (Richards et al. 2015 PMID: 25741868, with internal and published modifications).